The following is an entry in ClinVar:

NM_002602.4(PDE6G):c.*563T>C

Gene: PDE6G (phosphodiesterase 6G; minus strand). Cytogenetic location: 17q25.3.
Variant type: single nucleotide variant.
Coding change: c.*563T>C on transcript NM_002602.4 (MANE Select); 563 bases downstream of the stop codon, T replaced by C.
Molecular consequence: 3 prime UTR variant. On other transcripts: non-coding transcript variant (2).
Genome position (GRCh38, 1-based): chr17:81,650,511, A>G on the plus strand (T>C on the coding strand, the complement: PDE6G is on the minus strand). VCF-style: chr17-81650511-A-G. GRCh37 (hg19) VCF-style: chr17-79617541-A-G.
Other names: c.*563T>C (NM_001365724.1, NM_001365725.1).
Identifiers: ClinVar variation 889969 (VCV000889969.4), dbSNP rs116655732, ClinGen allele CA8838919.

ClinVar aggregate classification (germline): Likely benign (1 of 4 stars; one submission).

Conditions:
Retinitis pigmentosa (RP). Identifiers: Orphanet 791, MedGen C0035334, MeSH D012174, MONDO:0019200, OMIM 268000. Inheritance: Autosomal dominant, autosomal recessive and X linked inheritance.

Allele frequency attached by ClinVar (database versions not stated): ExAC 0.00121; gnomAD exomes 0.00188 and 0.00319; 1000 Genomes Project 0.01038; 1000 Genomes Project 30x 0.01093; gnomAD 0.01411 and 0.01535; TOPMed 0.01661.
gnomAD v4.1: 2,696 of 453,910 alleles (0.59%); highest among the groups gnomAD compares: African/African-American, 4.9%; 71 homozygotes.

Submission:

Illumina Laboratory Services, Illumina
Classification: Likely benign for Retinitis pigmentosa. Last evaluated: 2017-04-27. Review status: criteria provided, single submitter. Criteria: ICSL Variant Classification Criteria 13 December 2019. Collection method: clinical testing. Allele origin: germline.
Comment: This variant was observed as part of a predisposition screen in an ostensibly healthy population. A literature search was performed for the gene, cDNA change, and amino acid change (where applicable). No publications were found based on this search. Allele frequency data from public databases allowed determination this variant is unlikely to cause disease. Therefore, this variant is classified as likely benign.